The following is an entry in ClinVar:

NM_005602.6(CLDN11):c.615C>G (p.Ala205=)

Gene: CLDN11 (claudin 11; plus strand). Cytogenetic location: 3q26.2.
Variant type: single nucleotide variant.
Coding change: c.615C>G on transcript NM_005602.6 (MANE Select); coding-DNA position 615, C replaced by G.
Protein change: p.Ala205=; no amino-acid change (alanine 205 retained).
Molecular consequence: synonymous variant.
Genome position (GRCh38, 1-based): chr3:170,432,747, C>G. VCF-style: chr3-170432747-C-G. GRCh37 (hg19) VCF-style: chr3-170150535-C-G.
Other names: c.363C>G, p.Ala121= (NM_001185056.2).
Identifiers: ClinVar variation 2654274 (VCV002654274.24), dbSNP rs1452564885, ClinGen allele CA436964059.

ClinVar aggregate classification (germline): Likely benign (1 of 4 stars; one submission).

Allele frequency attached by ClinVar (database versions not stated): gnomAD exomes 0.00001.
gnomAD v4.1: 6 of 1,614,166 alleles (0.00037%); highest among the groups gnomAD compares: South Asian, 0.0066%; no homozygotes.

Submission:

CeGaT Center for Human Genetics Tuebingen
Classification: Likely benign. Last evaluated: 2023-09-01. Review status: criteria provided, single submitter. Criteria: CeGaT Center For Human Genetics Tuebingen Variant Classification Criteria Version 2. Collection method: clinical testing. Allele origin: germline. Affected: yes. Observed: 1 variant allele.
Comment: CLDN11: BP4, BP7